The following is an entry in ClinVar:

NM_006908.5(RAC1):c.181C>G (p.Gln61Glu)

Gene: RAC1 (Rac family small GTPase 1; plus strand). Cytogenetic location: 7p22.1.
Variant type: single nucleotide variant.
Coding change: c.181C>G on transcript NM_006908.5 (MANE Select); coding-DNA position 181, C replaced by G.
Protein change: p.Gln61Glu; replaces glutamine 61 with glutamic acid.
Molecular consequence: missense variant.
Genome position (GRCh38, 1-based): chr7:6,391,997, C>G. VCF-style: chr7-6391997-C-G. GRCh37 (hg19) VCF-style: chr7-6431628-C-G.
Other names: c.181C>G, p.Gln61Glu (NM_018890.4); c.181C>G (NM_018890.3); short protein forms Q61E.
Identifiers: ClinVar variation 2446363 (VCV002446363.2), dbSNP rs2534029561, ClinGen allele CA366761207.

ClinVar aggregate classification (germline): Pathogenic. Review status: criteria provided, single submitter (1 of 4 stars). 2 submissions from 2 submitters: Pathogenic (1). 1 of the submissions does not count toward it. Last evaluated 2023-09-26.

Conditions:
Intellectual developmental disorder, autosomal dominant 48. Also called: MENTAL RETARDATION, AUTOSOMAL DOMINANT 48; Intellectual disability, autosomal dominant 48. Identifiers: Orphanet 500159, MedGen C4540321, MONDO:0030913, OMIM 617751.

Submissions (2):

GeneDx
Classification: Pathogenic. Last evaluated: 2023-09-26. Review status: criteria provided, single submitter. Criteria: GeneDx Variant Classification Process June 2021. Collection method: clinical testing. Allele origin: germline. Affected: yes.
Comment: Published functional studies have demonstrated the p.(Q61E) enhances nuclear accumulation (Sandrock et al., 2010) and alters GTP hydrolysis activity (Lerm et al., 1999); Not observed at significant frequency in large population cohorts (gnomAD); In silico analysis supports that this missense variant has a deleterious effect on protein structure/function; This variant is associated with the following publications: (PMID: 16088958, 29362425, 9916051, 15143066, 28317937, 10542213, 21824110, 35139179, 19961560)

OMIM
Classification: Pathogenic for INTELLECTUAL DEVELOPMENTAL DISORDER, AUTOSOMAL DOMINANT 48. Last evaluated: 2023-03-28. Review status: no assertion criteria provided. Collection method: literature only. Allele origin: germline. Not counted in ClinVar's aggregate classification.

Literature cited by the submitters: PubMed 35139179 (cited by OMIM).